The following is an entry in ClinVar:

NM_000490.5(AVP):c.260C>T (p.Ser87Phe)

Gene: AVP (arginine vasopressin; minus strand). Cytogenetic location: 20p13.
Variant type: single nucleotide variant.
Coding change: c.260C>T on transcript NM_000490.5 (MANE Select); coding-DNA position 260, C replaced by T.
Protein change: p.Ser87Phe; replaces serine 87 with phenylalanine.
Molecular consequence: missense variant.
Genome position (GRCh38, 1-based): chr20:3,083,039, G>A on the plus strand (C>T on the coding strand, the complement: AVP is on the minus strand). VCF-style: chr20-3083039-G-A. GRCh37 (hg19) VCF-style: chr20-3063685-G-A.
Other names: S56F; c.260C>T, p.Ser87Phe (LRG_715t1); short protein forms S87F.
Identifiers: ClinVar variation 12216 (VCV000012216.6), dbSNP rs121964890, ClinGen allele CA121968.

ClinVar aggregate classification (germline): Pathogenic/Likely pathogenic. Review status: criteria provided, multiple submitters, no conflicts (2 of 4 stars). 3 submissions from 3 submitters: Pathogenic (1); Likely pathogenic (1). 1 of the submissions does not count toward it. Last evaluated 2022-03-27.

Conditions:
AVP-related disorder. Also called: AVP-related condition.
Neurohypophyseal diabetes insipidus. Also called: DIABETES INSIPIDUS, PRIMARY CENTRAL; Diabetes Insipidus, Neurogenic; Hereditary arginine vasopressin deficiency. Identifiers: Orphanet 178029, Orphanet 30925, MedGen C0342394, MONDO:0007450, OMIM 125700.

Submissions (3):

Labcorp Genetics (formerly Invitae), Labcorp
Classification: Pathogenic. Last evaluated: 2022-03-27. Review status: criteria provided, single submitter. Criteria: Invitae Variant Classification Sherloc (09022015). Collection method: clinical testing. Allele origin: germline.
Comment: For these reasons, this variant has been classified as Pathogenic. Algorithms developed to predict the effect of missense changes on protein structure and function are either unavailable or do not agree on the potential impact of this missense change (SIFT: "Tolerated"; PolyPhen-2: "Probably Damaging"; Align-GVGD: "Class C0"). ClinVar contains an entry for this variant (Variation ID: 12216). This variant is also known as c.1857C>T, p.Ser56Phe. This missense change has been observed in individual(s) with clinical features of AVP-related conditions (PMID: 9814475). It has also been observed to segregate with disease in related individuals. This variant is not present in population databases (gnomAD no frequency). This sequence change replaces serine, which is neutral and polar, with phenylalanine, which is neutral and non-polar, at codon 87 of the AVP protein (p.Ser87Phe).

Blueprint Genetics
Classification: Likely pathogenic for AVP-related disorders. Last evaluated: 2019-09-13. Review status: criteria provided, single submitter. Criteria: ACMG Guidelines, 2015. Collection method: clinical testing. Allele origin: germline. Affected: yes. Observed: 1 variant allele.

OMIM
Classification: Pathogenic for DIABETES INSIPIDUS, NEUROHYPOPHYSEAL. Last evaluated: 1998-11-01. Review status: no assertion criteria provided. Collection method: literature only. Allele origin: germline. Not counted in ClinVar's aggregate classification.

Literature cited by the submitters: PubMed 9814475 (cited by Labcorp Genetics (formerly Invitae), Labcorp and OMIM).